The following is an entry in ClinVar:

ClinVar aggregate classification (germline): Pathogenic (1 of 4 stars; one submission).

Conditions:
Tuberous sclerosis 2 (TSC2). Identifiers: Orphanet 805, MedGen C1860707, MONDO:0013199, OMIM 613254.

Submission:

Labcorp Genetics (formerly Invitae), Labcorp
Classification: Pathogenic for Tuberous sclerosis 2. Last evaluated: 2022-01-11. Review status: criteria provided, single submitter. Criteria: Invitae Variant Classification Sherloc (09022015). Collection method: clinical testing. Allele origin: germline.
Comment: For these reasons, this variant has been classified as Pathogenic. Algorithms developed to predict the effect of sequence changes on RNA splicing suggest that this variant may create or strengthen a splice site. This variant has not been reported in the literature in individuals affected with TSC2-related conditions. This variant is not present in population databases (gnomAD no frequency). This sequence change creates a premature translational stop signal (p.Arg585Profs*115) in the TSC2 gene. It is expected to result in an absent or disrupted protein product. Loss-of-function variants in TSC2 are known to be pathogenic (PMID: 10205261, 17304050).

Literature cited by the submitters: PubMed 10205261; PubMed 17304050.

NM_000548.5(TSC2):c.1749_1753dup (p.Arg585fs)

Gene: TSC2 (TSC complex subunit 2; plus strand). Cytogenetic location: 16p13.3.
Variant type: Microsatellite.
Coding change: c.1749_1753dup on transcript NM_000548.5 (MANE Select); coding-DNA positions 1749 to 1753, 5 bases duplicated (CACGC; older notation c.1749_1753dupCACGC).
Protein change: p.Arg585fs; shifts the reading frame from arginine 585.
Molecular consequence: frameshift variant.
Genome position (GRCh38, 1-based): chr16:2,070,488-2,070,492, CACGC duplicated; duplicating any 5 consecutive bases within chr16:2,070,481-2,070,492 gives the same sequence; the c. name uses the placement nearest the transcript's 3' end. VCF-style (leftmost placement, unchanged base first): chr16-2070480-A-AGCCAC. GRCh37 (hg19) VCF-style: chr16-2120481-A-AGCCAC.
Other names: c.1749_1753dup, p.Arg585fs (NM_001077183.3, NM_001114382.3, NM_001363528.2 and 3 more transcripts); c.1638_1642dup, p.Arg548fs (NM_001318827.2); c.1602_1606dup, p.Arg536fs (NM_001318829.2); c.1149_1153dup, p.Arg385fs (NM_001318831.2); c.1782_1786dup, p.Arg596fs (NM_001318832.2); short protein forms R385fs, R536fs, R596fs, R548fs, R585fs.
Identifiers: ClinVar variation 565873 (VCV000565873.6), dbSNP rs1567457100, ClinGen allele CA891844065.